The following is an entry in ClinVar:

NM_014845.6(FIG4):c.2704A>G (p.Ile902Val)

Gene: FIG4 (FIG4 phosphoinositide 5-phosphatase; plus strand). Cytogenetic location: 6q21.
Variant type: single nucleotide variant.
Coding change: c.2704A>G on transcript NM_014845.6 (MANE Select); coding-DNA position 2704, A replaced by G.
Protein change: p.Ile902Val; replaces isoleucine 902 with valine.
Molecular consequence: missense variant.
Genome position (GRCh38, 1-based): chr6:109,825,245, A>G. VCF-style: chr6-109825245-A-G. GRCh37 (hg19) VCF-style: chr6-110146448-A-G.
Other names: short protein forms I902V.
Identifiers: ClinVar variation 543375 (VCV000543375.11), dbSNP rs143685038, ClinGen allele CA3956487.
Genomic context (GRCh38, chr6:109,825,245, plus strand): 5'-GCCAGCCAAGGTATCATGCAGCCCCTAGGAAAAGAGGACTCCTCCATGTACCGAGAGTAC[A>G]TCAGGAACCGCTACCTGTGAAAAGAGCGCAGGTCCACCTGGTGGACACGTCTGATTAGCT-3'
Protein context (NP_055660.1, residues 892-907): KEDSSMYREY[Ile902Val]RNRYL

ClinVar aggregate classification (germline): Uncertain significance. Review status: criteria provided, multiple submitters, no conflicts (2 of 4 stars). 4 submissions from 4 submitters: Uncertain significance (4). Last evaluated 2026-01-05.

Conditions:
Charcot-Marie-Tooth disease type 4. Also called: Charcot-Marie-Tooth disease, type IV; Charcot-Marie-Tooth, Type 4. Identifiers: Orphanet 64749, MedGen C4082197, MONDO:0018995.
FIG4-related disorder. Also called: FIG4-related disorders; FIG4-related condition.
Inborn genetic diseases. Identifiers: MedGen C0950123, MeSH D030342.

Allele frequency attached by ClinVar (database versions not stated): gnomAD 0.00003 and 0.00004; TOPMed 0.00004.
gnomAD v4.1: 14 of 1,614,004 alleles (0.00087%); highest among the groups gnomAD compares: African/African-American, 0.0053%; no homozygotes.

Submissions (4):

Labcorp Genetics (formerly Invitae), Labcorp
Classification: Uncertain significance for Charcot-Marie-Tooth disease type 4. Last evaluated: 2026-01-05. Review status: criteria provided, single submitter. Criteria: Invitae Variant Classification Sherloc (09022015). Collection method: clinical testing. Allele origin: germline.
Comment: This sequence change replaces isoleucine, which is neutral and non-polar, with valine, which is neutral and non-polar, at codon 902 of the FIG4 protein (p.Ile902Val). This variant is present in population databases (rs143685038, gnomAD 0.02%). This variant has not been reported in the literature in individuals affected with FIG4-related conditions. ClinVar contains an entry for this variant (Variation ID: 543375). An algorithm developed to predict the effect of missense changes on protein structure and function (PolyPhen-2) suggests that this variant is likely to be tolerated. In summary, the available evidence is currently insufficient to determine the role of this variant in disease. Therefore, it has been classified as a Variant of Uncertain Significance.

PreventionGenetics, part of Exact Sciences
Classification: Uncertain significance for FIG4-related condition. Last evaluated: 2025-11-19. Review status: criteria provided, single submitter. Criteria: ACMG Guidelines, 2015. Collection method: clinical testing. Allele origin: germline.
Comment: The FIG4 c.2704A>G variant is predicted to result in the amino acid substitution p.Ile902Val. To our knowledge, this variant has not been reported in the literature. This variant is reported in 0.018% of alleles in individuals of African descent in gnomAD. At this time, the clinical significance of this variant is uncertain due to the absence of conclusive functional and genetic evidence.

Ambry Genetics
Classification: Uncertain significance for Inborn genetic diseases. Last evaluated: 2024-08-28. Review status: criteria provided, single submitter. Criteria: Ambry Variant Classification Scheme 2023. Collection method: clinical testing. Allele origin: germline.

Women's Health and Genetics/Laboratory Corporation of America, LabCorp
Classification: Uncertain significance. Last evaluated: 2024-07-02. Review status: criteria provided, single submitter. Criteria: LabCorp Variant Classification Summary - May 2015. Collection method: clinical testing. Allele origin: germline.
Comment: Variant summary: FIG4 c.2704A>G (p.Ile902Val) results in a conservative amino acid change in the encoded protein sequence. Four of five in-silico tools predict a benign effect of the variant on protein function. The variant allele was found at a frequency of 1.2e-05 in 250808 control chromosomes. The available data on variant occurrences in the general population are insufficient to allow any conclusion about variant significance. To our knowledge, no occurrence of c.2704A>G in individuals affected with Charcot-Marie Disease Type 4J and no experimental evidence demonstrating its impact on protein function have been reported. ClinVar contains an entry for this variant (Variation ID: 543375). Based on the evidence outlined above, the variant was classified as uncertain significance.